The following is an entry in ClinVar:

ClinVar aggregate classification (germline): Conflicting classifications of pathogenicity. Review status: criteria provided, conflicting classifications (1 of 4 stars). 9 submissions from 9 submitters: Uncertain significance (5); Likely benign (4). Last evaluated 2026-07-01.

Conditions:
Glycogen storage disease, type II (IOPD). Also called: CARDIOMEGALIA GLYCOGENICA DIFFUSA; GLYCOGEN STORAGE DISEASE II, INFANTILE-ONSET; POMPE DISEASE, INFANTILE-ONSET; ACID ALPHA-GLUCOSIDASE DEFICIENCY, INFANTILE-ONSET; GAA DEFICIENCY, INFANTILE-ONSET; ACID MALTASE DEFICIENCY, INFANTILE-ONSET. Identifiers: Orphanet 365, MedGen C0017921, MONDO:0009290, OMIM 232300.
Cardiovascular phenotype. Identifiers: MedGen CN230736.

Allele frequency attached by ClinVar (database versions not stated): gnomAD 0.00026; ESP Exome Variant Server 0.00054; TOPMed 0.00054; 1000 Genomes Project 30x 0.00078; 1000 Genomes Project 0.00080.
gnomAD v4.1: 152 of 1,612,758 alleles (0.0094%); highest among the groups gnomAD compares: African/African-American, 0.13%; no homozygotes.

Submissions (9):

Genomenon, Inc
Classification: Likely benign for Glycogen storage disease, type II. Last evaluated: 2026-07-01. Review status: criteria provided, single submitter. Criteria: Genomenon Sequence Variant Interpretation Standards - Updated. Collection method: curation. Allele origin: germline. Affected: no.
Comment: GAA p.Arg11Gln (c.32G>A) is a missense variant that changes the amino acid at codon 11 from Arginine to Glutamine. This variant has been reported in the published literature (PMID:31301153;18425781;31228295). Well-established functional studies show no damaging effect of this variant on protein function, supporting a benign classification (PMID:18425781). In silico models predict that this variant is not damaging. In conclusion, we classify GAA p.Arg11Gln (c.32G>A) as a likely benign variant.

Labcorp Genetics (formerly Invitae), Labcorp
Classification: Likely benign for Glycogen storage disease, type II. Last evaluated: 2026-01-19. Review status: criteria provided, single submitter. Criteria: Invitae Variant Classification Sherloc (09022015). Collection method: clinical testing. Allele origin: germline.

Revvity Omics, Revvity
Classification: Uncertain significance. Last evaluated: 2025-05-22. Review status: criteria provided, single submitter. Criteria: ACMG Guidelines, 2015. Collection method: clinical testing. Allele origin: germline.

Ambry Genetics
Classification: Uncertain significance for Cardiovascular phenotype. Last evaluated: 2024-09-19. Review status: criteria provided, single submitter. Criteria: Ambry Variant Classification Scheme 2023. Collection method: clinical testing. Allele origin: germline.
Comment: The p.R11Q variant (also known as c.32G>A), located in coding exon 1 of the GAA gene, results from a G to A substitution at nucleotide position 32. The arginine at codon 11 is replaced by glutamine, an amino acid with highly similar properties. This variant has been reported as co-occurring with other GAA variants in an individual with Pompe disease; however, additional details were limited (Kroos M et al. Hum Mutat, 2008 Jun;29:E13-26). Functional studies by one group suggested that this variant may not significantly impact enzyme function, and a minigene study suggested that this variant may impact splicing; however, additional evidence is needed to confirm these findings (Kroos M et al. Hum Mutat, 2008 Jun;29:E13-26; Goina E et al. Hum Mutat, 2019 Nov;40:2121-2130). This amino acid position is poorly conserved in available vertebrate species. In addition, this alteration is predicted to be tolerated by in silico analysis. Based on the available evidence, the clinical significance of this variant remains unclear.

Genome-Nilou Lab
Classification: Uncertain significance for Glycogen storage disease, type II. Last evaluated: 2021-07-22. Review status: criteria provided, single submitter. Criteria: ACMG Guidelines, 2015. Collection method: clinical testing. Allele origin: germline. Affected: no.

GeneDx
Classification: Likely benign. Last evaluated: 2020-09-28. Review status: criteria provided, single submitter. Criteria: GeneDx Variant Classification Process June 2021. Collection method: clinical testing. Allele origin: germline. Affected: yes.
Comment: This variant is associated with the following publications: (PMID: 18425781, 31301153)

Women's Health and Genetics/Laboratory Corporation of America, LabCorp
Classification: Uncertain significance. Last evaluated: 2018-05-25. Review status: criteria provided, single submitter. Criteria: LabCorp Variant Classification Summary - May 2015. Collection method: clinical testing. Allele origin: germline.
Comment: Variant summary: GAA c.32G>A (p.Arg11Gln) results in a conservative amino acid change in the encoded protein sequence. Five of five in-silico tools predict a benign effect of the variant on protein function. The variant allele was found at a frequency of 0.00014 in 275638 control chromosomes (gnomAD). This frequency is not significantly higher than expected for a pathogenic variant in GAA causing Glycogen Storage Disease, Type 2 (Pompe Disease) (0.00014 vs 0.0042), allowing no conclusion about variant significance. The variant, c.32G>A, has been reported in the literature in individuals affected with Glycogen Storage Disease, Type 2 (Pompe Disease)(Kroos_2008) but was classified as not pathogenic by the authors. These report(s) do not provide unequivocal conclusions about association of the variant with Glycogen Storage Disease, Type 2 (Pompe Disease). At least one publication reports experimental evidence evaluating an impact on protein function. These results showed no damaging effect of this variant (Kroos_2008). Three clinical diagnostic laboratories have submitted clinical-significance assessments for this variant to ClinVar after 2014 without evidence for independent evaluation (likely benign x1, uncertain significance 2x). Based on the evidence outlined above, the variant was classified as uncertain significance.

Eurofins Ntd Llc (ga)
Classification: Uncertain significance. Last evaluated: 2015-10-07. Review status: criteria provided, single submitter. Criteria: EGL Classification Definitions 2015. Collection method: clinical testing. Allele origin: germline. Observed: 3 variant alleles, 3 heterozygotes.

PreventionGenetics, part of Exact Sciences
Classification: Likely benign. Review status: criteria provided, single submitter. Criteria: ACMG Guidelines, 2015. Collection method: clinical testing. Allele origin: germline.

Literature cited by the submitters: PubMed 31301153 (cited by Genomenon, Inc and Ambry Genetics); PubMed 18425781 (cited by 3 submitters); PubMed 31228295 (cited by Genomenon, Inc and Ambry Genetics).

NM_000152.5(GAA):c.32G>A (p.Arg11Gln)

Gene: GAA (alpha glucosidase; plus strand). Cytogenetic location: 17q25.3.
Variant type: single nucleotide variant.
Coding change: c.32G>A on transcript NM_000152.5 (MANE Select); coding-DNA position 32, G replaced by A.
Protein change: p.Arg11Gln; replaces arginine 11 with glutamine.
Molecular consequence: missense variant.
Genome position (GRCh38, 1-based): chr17:80,104,618, G>A. VCF-style: chr17-80104618-G-A. GRCh37 (hg19) VCF-style: chr17-78078417-G-A.
Other names: c.32G>A (LRG_673t1); c.32G>A, p.Arg11Gln (NM_001079803.3, NM_001079804.3); short protein forms R11Q.
Identifiers: ClinVar variation 255362 (VCV000255362.30), dbSNP rs138812846, ClinGen allele CA8814760.